The following is an entry in ClinVar:

NM_006087.4(TUBB4A):c.57+3G>C

Genes: TUBB4A (tubulin beta 4A class IVa; minus strand), LOC130063295 (ATAC-STARR-seq lymphoblastoid silent region 9955; plus strand). Cytogenetic location: 19p13.3.
Variant type: single nucleotide variant.
Coding change: c.57+3G>C on transcript NM_006087.4 (MANE Select); 3 bases into the intron after coding-DNA position 57, G replaced by C.
Molecular consequence: intron variant.
Genome position (GRCh38, 1-based): chr19:6,502,153, C>G on the plus strand (G>C on the coding strand, the complement: TUBB4A is on the minus strand). VCF-style: chr19-6502153-C-G. GRCh37 (hg19) VCF-style: chr19-6502164-C-G.
Other names: c.57+3G>C (NM_001289129.2); c.192+3G>C (NM_001289127.2); c.210+3G>C (NM_001289123.2); c.-117+36G>C (NM_001289131.2); c.-117+3G>C (NM_001289130.2).
Identifiers: ClinVar variation 4084985 (VCV004084985.8).
Genomic context (GRCh38, chr19:6,502,153, plus strand): 5'-GGACCGACCCCGCGGTGCTCCCCGGGGCCGCCACTGCCTCCCCGGGCCCCGTTCCCCGAG[C>G]ACCTTGGCCCCGATCTGGTTGCCGCACTGGCCGGCCTGCAGGTGCACGATCTCCCGCATG-3'

ClinVar aggregate classification (germline): Likely benign (1 of 4 stars; one submission).

gnomAD v4.1: 4 of 1,569,868 alleles (0.00025%); highest among the groups gnomAD compares: Non-Finnish European, 0.00034%; no homozygotes.

Submission:

CeGaT Center for Human Genetics Tuebingen
Classification: Likely benign. Last evaluated: 2025-08-01. Review status: criteria provided, single submitter. Criteria: CeGaT Center For Human Genetics Tuebingen Variant Classification Criteria Version 2. Collection method: clinical testing. Allele origin: germline. Affected: yes. Observed: 1 variant allele.
Comment: TUBB4A: BP4